The following is an entry in ClinVar:

NM_004370.6(COL12A1):c.5888A>G (p.Gln1963Arg)

Gene: COL12A1 (collagen type XII alpha 1 chain; minus strand). Cytogenetic location: 6q13.
Variant type: single nucleotide variant.
Coding change: c.5888A>G on transcript NM_004370.6 (MANE Select); coding-DNA position 5888, A replaced by G.
Protein change: p.Gln1963Arg; replaces glutamine 1963 with arginine.
Molecular consequence: missense variant.
Genome position (GRCh38, 1-based): chr6:75,131,989, T>C on the plus strand (A>G on the coding strand, the complement: COL12A1 is on the minus strand). VCF-style: chr6-75131989-T-C. GRCh37 (hg19) VCF-style: chr6-75841705-T-C.
Other names: c.2396A>G, p.Gln799Arg (NM_080645.3); short protein forms Q799R, Q1963R.
Identifiers: ClinVar variation 1029828 (VCV001029828.2), dbSNP rs1766321428, ClinGen allele CA364732832.

ClinVar aggregate classification (germline): Uncertain significance. Review status: criteria provided, multiple submitters, no conflicts (2 of 4 stars). 2 submissions from 2 submitters: Uncertain significance (2). Last evaluated 2025-12-02.

Conditions:
Ullrich congenital muscular dystrophy 2 (UCMD2). Identifiers: Orphanet 75840, MedGen C4225314, MONDO:0014654, OMIM 616470.

Allele frequency attached by ClinVar (database versions not stated): gnomAD exomes below 0.00001; gnomAD 0.00001.
gnomAD v4.1: 2 of 1,614,028 alleles (0.00012%); highest among the groups gnomAD compares: Non-Finnish European, 0.00017%; no homozygotes.

Submissions (2):

Women's Health and Genetics/Laboratory Corporation of America, LabCorp
Classification: Uncertain significance. Last evaluated: 2025-12-02. Review status: criteria provided, single submitter. Criteria: LabCorp Variant Classification Summary - May 2015. Collection method: clinical testing. Allele origin: germline.
Comment: Variant summary: COL12A1 c.5888A>G (p.Gln1963Arg) results in a conservative amino acid change in the encoded protein sequence. Algorithms developed to predict the effect of missense changes on protein structure and function are either unavailable or do not agree on the potential impact of this missense change. The variant was absent in 249298 control chromosomes. The available data on variant occurrences in the general population are insufficient to allow any conclusion about variant significance. To our knowledge, no occurrence of c.5888A>G in individuals affected with COL12A1-related conditions and no experimental evidence demonstrating its impact on protein function have been reported. ClinVar contains an entry for this variant (Variation ID: 1029828). Based on the evidence outlined above, the variant was classified as uncertain significance.

Baylor Genetics
Classification: Uncertain significance for Ullrich congenital muscular dystrophy 2. Last evaluated: 2020-01-13. Review status: criteria provided, single submitter. Criteria: ACMG Guidelines, 2015. Collection method: clinical testing. Allele origin: unknown. Affected: yes.
Comment: This variant was determined to be of uncertain significance according to ACMG Guidelines, 2015 [PMID:25741868].